The following is an entry in ClinVar:

ClinVar aggregate classification (germline): Uncertain significance (1 of 4 stars; one submission).

Conditions:
Cystic fibrosis (CF). Also called: MUCOVISCIDOSIS. Identifiers: Orphanet 586, MedGen C0010674, MONDO:0009061, OMIM 219700. Disease mechanism: loss of function.

Allele frequency attached by ClinVar (database versions not stated): TOPMed below 0.00001.

Submission:

Ambry Genetics
Classification: Uncertain significance for Cystic fibrosis. Last evaluated: 2024-01-03. Review status: criteria provided, single submitter. Criteria: Ambry Variant Classification Scheme 2023. Collection method: clinical testing. Allele origin: germline.
Comment: The p.A1285S variant (also known as c.3853G>T), located in coding exon 23 of the CFTR gene, results from a G to T substitution at nucleotide position 3853. The alanine at codon 1285 is replaced by serine, an amino acid with similar properties. This amino acid position is conserved. In addition, the in silico prediction for this alteration is inconclusive. Since supporting evidence is limited at this time, the clinical significance of this alteration remains unclear.

NM_000492.4(CFTR):c.3853G>T (p.Ala1285Ser)

Genes: CFTR (CF transmembrane conductance regulator; plus strand), CFTR-AS2 (CFTR antisense RNA 2; minus strand). Cytogenetic location: 7q31.2.
Variant type: single nucleotide variant.
Coding change: c.3853G>T on transcript NM_000492.4 (MANE Select); coding-DNA position 3853, G replaced by T.
Protein change: p.Ala1285Ser; replaces alanine 1285 with serine.
Molecular consequence: missense variant.
Genome position (GRCh38, 1-based): chr7:117,642,573, G>T. VCF-style: chr7-117642573-G-T. GRCh37 (hg19) VCF-style: chr7-117282627-G-T.
Other names: short protein forms A1285S.
Identifiers: ClinVar variation 3231900 (VCV003231900.1), dbSNP rs868174013, ClinGen allele CA368975523.